The following is an entry in ClinVar:

Conditions:
Long QT syndrome 5 (LQT5). Identifiers: Orphanet 101016, Orphanet 768, MedGen C1867904, MONDO:0013372, OMIM 613695.

Submission:

Roden Lab, Vanderbilt University Medical Center
No classification provided (evidence only). Condition: Long QT syndrome 5. Review status: no classification provided. Collection method: in vitro. Allele origin: not applicable. Functional consequence: Effect on ion channel function.
ClinVar note: "not provided" was previously submitted as the classification for the variant. However, the classification appeared to be based only on an observation of functional data so it was converted to no classification on 2025-07-30.

NM_000219.6(KCNE1):c.360A>C (p.Thr120=)

Gene: KCNE1 (potassium voltage-gated channel subfamily E regulatory subunit 1; minus strand). Cytogenetic location: 21q22.12.
Variant type: single nucleotide variant.
Coding change: c.360A>C on transcript NM_000219.6 (MANE Select); coding-DNA position 360, A replaced by C.
Protein change: p.Thr120=; no amino-acid change (threonine 120 retained).
Molecular consequence: synonymous variant.
Genome position (GRCh38, 1-based): chr21:34,449,275, T>G on the plus strand (A>C on the coding strand, the complement: KCNE1 is on the minus strand). VCF-style: chr21-34449275-T-G. GRCh37 (hg19) VCF-style: chr21-35821573-T-G.
Other names: c.360A>C, p.Thr120= (NM_001127668.4, NM_001127669.4, NM_001127670.4 and 4 more transcripts).
Identifiers: ClinVar variation 3373809 (VCV003373809.2).
Genomic context (GRCh38, chr21:34,449,275, plus strand): 5'-GATGTGTCCAGTTTTAGCCAGTGGTGGGGTTCATGGGGAAGGCTTCGTCTCAGGAAGGTG[T>G]GTGTTGGGTTGTTCTATGGCCAGATGGTTTTCAACGACATAGCACGACCTGTAGCTCTCC-3'
Protein context (NP_000210.2, residues 110-129): ENHLAIEQPN[Thr120=]HLPETKPSP